The following is an entry in ClinVar:

NM_182493.3(MYLK3):c.889C>G (p.Pro297Ala)

Gene: MYLK3 (myosin light chain kinase 3; minus strand). Cytogenetic location: 16q11.2.
Variant type: single nucleotide variant.
Coding change: c.889C>G on transcript NM_182493.3 (MANE Select); coding-DNA position 889, C replaced by G.
Protein change: p.Pro297Ala; replaces proline 297 with alanine.
Molecular consequence: missense variant. On other transcripts: intron variant (1).
Genome position (GRCh38, 1-based): chr16:46,737,823, G>C on the plus strand (C>G on the coding strand, the complement: MYLK3 is on the minus strand). VCF-style: chr16-46737823-G-C. GRCh37 (hg19) VCF-style: chr16-46771735-G-C.
Other names: c.-23+2234C>G (NM_001308301.1); short protein forms P297A.
Identifiers: ClinVar variation 1478602 (VCV001478602.8), dbSNP rs768889997, ClinGen allele CA8038127.

ClinVar aggregate classification (germline): Uncertain significance (1 of 4 stars; one submission).

Allele frequency attached by ClinVar (database versions not stated): ExAC 0.00001.
gnomAD v4.1: 4 of 1,613,384 alleles (0.00025%); highest among the groups gnomAD compares: Non-Finnish European, 0.00034%; no homozygotes.

Submission:

Labcorp Genetics (formerly Invitae), Labcorp
Classification: Uncertain significance. Last evaluated: 2023-03-07. Review status: criteria provided, single submitter. Criteria: Invitae Variant Classification Sherloc (09022015). Collection method: clinical testing. Allele origin: germline.
Comment: This sequence change replaces proline, which is neutral and non-polar, with alanine, which is neutral and non-polar, at codon 297 of the MYLK3 protein (p.Pro297Ala). This variant is present in population databases (rs768889997, gnomAD 0.0009%). This variant has not been reported in the literature in individuals affected with MYLK3-related conditions. ClinVar contains an entry for this variant (Variation ID: 1478602). An algorithm developed to predict the effect of missense changes on protein structure and function (PolyPhen-2) suggests that this variant is likely to be tolerated. In summary, the available evidence is currently insufficient to determine the role of this variant in disease. Therefore, it has been classified as a Variant of Uncertain Significance.